The following is an entry in ClinVar:

ClinVar aggregate classification (germline): Uncertain significance. Review status: criteria provided, multiple submitters, no conflicts (2 of 4 stars). 2 submissions from 2 submitters: Uncertain significance (2). Last evaluated 2025-12-09.

Conditions:
Hereditary cancer-predisposing syndrome. Also called: Hereditary Cancer Syndrome; Hereditary neoplastic syndrome; Neoplastic Syndromes, Hereditary; Tumor predisposition. Identifiers: Orphanet 140162, MedGen C0027672, MeSH D009386, MONDO:0015356.
Hereditary breast ovarian cancer syndrome. Also called: Hereditary breast and ovarian cancer syndrome; Hereditary breast and/or ovarian cancer syndrome; Hereditary breast and ovarian cancer; Hereditary breast and ovarian cancer syndrome (HBOC); Breast and ovarian cancer; BRCA1- and BRCA2-Associated Hereditary Breast and Ovarian Cancer. Identifiers: Orphanet 145, MedGen C0677776, MeSH D061325, MONDO:0003582. Disease mechanism: loss of function.

Submissions (2):

Labcorp Genetics (formerly Invitae), Labcorp
Classification: Uncertain significance for Hereditary breast ovarian cancer syndrome. Last evaluated: 2025-12-09. Review status: criteria provided, single submitter. Criteria: Invitae Variant Classification Sherloc (09022015). Collection method: clinical testing. Allele origin: germline.
Comment: This sequence change falls in intron 12 of the BRCA1 gene. It does not directly change the encoded amino acid sequence of the BRCA1 protein. This variant is not present in population databases (gnomAD no frequency). This variant has not been reported in the literature in individuals affected with BRCA1-related conditions. ClinVar contains an entry for this variant (Variation ID: 3724950). Algorithms developed to predict the effect of sequence changes on RNA splicing suggest that this variant may disrupt the consensus splice site. In summary, the available evidence is currently insufficient to determine the role of this variant in disease. Therefore, it has been classified as a Variant of Uncertain Significance.

Ambry Genetics
Classification: Uncertain significance for Hereditary cancer-predisposing syndrome. Last evaluated: 2025-08-06. Review status: criteria provided, single submitter. Criteria: Ambry Variant Classification Scheme 2023. Collection method: clinical testing. Allele origin: germline.
Comment: The c.4358-33T>G intronic variant results from a T to G substitution 33 nucleotides upstream from coding exon 12 in the BRCA1 gene. This nucleotide position is well conserved in available vertebrate species. In silico splice site analysis predicts that this alteration may weaken the native splice acceptor site; however, direct evidence is insufficient at this time (Ambry internal data). Based on the available evidence, the clinical significance of this variant remains unclear.

NM_007294.4(BRCA1):c.4358-33T>G

Gene: BRCA1 (BRCA1 DNA repair associated; minus strand). Cytogenetic location: 17q21.31.
Variant type: single nucleotide variant.
Coding change: c.4358-33T>G on transcript NM_007294.4 (MANE Select); 33 bases into the intron before coding-DNA position 4358, T replaced by G.
Molecular consequence: intron variant.
Genome position (GRCh38, 1-based): chr17:43,076,647, A>C on the plus strand (T>G on the coding strand, the complement: BRCA1 is on the minus strand). VCF-style: chr17-43076647-A-C. GRCh37 (hg19) VCF-style: chr17-41228664-A-C.
Other names: c.4217-33T>G (NM_001407726.1, NM_001407730.1, NM_001407692.1 and 13 more transcripts); c.836-5409T>G (NM_001408513.1); c.782-33T>G (NM_001408503.1, NM_001408502.1, NM_001408504.1); c.4214-33T>G (NM_001407943.1, NM_001407748.1, NM_001407752.1 and 11 more transcripts); c.785-33T>G (NM_001408500.1, NM_001408497.1, NM_001408496.1 and 3 more transcripts); c.4094-33T>G (NM_001407921.1, NM_001407926.1, NM_001407924.1 and 4 more transcripts); c.905-33T>G (NM_001408466.1, NM_001408465.1, NM_001408463.1 and 3 more transcripts); c.908-33T>G (NM_001408452.1, NM_001408457.1, NM_001408454.1 and 3 more transcripts); and 98 more.
Identifiers: ClinVar variation 3724950 (VCV003724950.3).
Genomic context (GRCh38, chr17:43,076,647, plus strand): 5'-TCACTACTTTTCTGTGAAGTTAATACTGCTTTAAATGGAATGAGAAAACAAATCTACTTT[A>C]CTGCTTTGTTCTGATAGTGATAATTCAGGTTAGAATACTGATTTTTTTCAAAAGCATCAA-3'